The following is an entry in ClinVar:

ClinVar aggregate classification (germline): Uncertain significance. Review status: criteria provided, multiple submitters, no conflicts (2 of 4 stars). 2 submissions from 2 submitters: Uncertain significance (2). Last evaluated 2024-01-09.

Conditions:
Inborn genetic diseases. Identifiers: MedGen C0950123, MeSH D030342.

Allele frequency attached by ClinVar (database versions not stated): gnomAD exomes below 0.00001.
gnomAD v4.1: 3 of 1,611,486 alleles (0.00019%); highest among the groups gnomAD compares: Non-Finnish European, 0.00025%; no homozygotes.

Submissions (2):

Labcorp Genetics (formerly Invitae), Labcorp
Classification: Uncertain significance. Last evaluated: 2024-01-09. Review status: criteria provided, single submitter. Criteria: Invitae Variant Classification Sherloc (09022015). Collection method: clinical testing. Allele origin: germline.
Comment: This sequence change replaces threonine, which is neutral and polar, with isoleucine, which is neutral and non-polar, at codon 258 of the ATP8B1 protein (p.Thr258Ile). This variant is not present in population databases (gnomAD no frequency). This variant has not been reported in the literature in individuals affected with ATP8B1-related conditions. ClinVar contains an entry for this variant (Variation ID: 2479958). Advanced modeling of protein sequence and biophysical properties (such as structural, functional, and spatial information, amino acid conservation, physicochemical variation, residue mobility, and thermodynamic stability) performed at Invitae indicates that this missense variant is not expected to disrupt ATP8B1 protein function with a negative predictive value of 80%. In summary, the available evidence is currently insufficient to determine the role of this variant in disease. Therefore, it has been classified as a Variant of Uncertain Significance.

Ambry Genetics
Classification: Uncertain significance for Inborn genetic diseases. Last evaluated: 2023-01-31. Review status: criteria provided, single submitter. Criteria: Ambry Variant Classification Scheme 2023. Collection method: clinical testing. Allele origin: germline.

NM_001374385.1(ATP8B1):c.773C>T (p.Thr258Ile)

Gene: ATP8B1 (ATPase phospholipid transporting 8B1; minus strand). Cytogenetic location: 18q21.31.
Variant type: single nucleotide variant.
Coding change: c.773C>T on transcript NM_001374385.1 (MANE Select); coding-DNA position 773, C replaced by T.
Protein change: p.Thr258Ile; replaces threonine 258 with isoleucine.
Molecular consequence: missense variant.
Genome position (GRCh38, 1-based): chr18:57,695,458, G>A on the plus strand (C>T on the coding strand, the complement: ATP8B1 is on the minus strand). VCF-style: chr18-57695458-G-A. GRCh37 (hg19) VCF-style: chr18-55362690-G-A.
Other names: c.623C>T, p.Thr208Ile (NM_001374386.1); c.773C>T, p.Thr258Ile (NM_005603.6); short protein forms T208I, T258I.
Identifiers: ClinVar variation 2479958 (VCV002479958.5), dbSNP rs1912760889, ClinGen allele CA402542611.